The following is an entry in ClinVar:

NM_000018.4(ACADVL):c.1621G>A (p.Glu541Lys)

Gene: ACADVL (acyl-CoA dehydrogenase very long chain; plus strand). Cytogenetic location: 17p13.1.
Variant type: single nucleotide variant.
Coding change: c.1621G>A on transcript NM_000018.4 (MANE Select); coding-DNA position 1621, G replaced by A.
Protein change: p.Glu541Lys; replaces glutamic acid 541 with lysine.
Molecular consequence: missense variant.
Genome position (GRCh38, 1-based): chr17:7,224,495, G>A. VCF-style: chr17-7224495-G-A. GRCh37 (hg19) VCF-style: chr17-7127814-G-A.
Other names: c.1621G>A (NM_000018.2); c.1555G>A, p.Glu519Lys (NM_001033859.3); c.1690G>A, p.Glu564Lys (NM_001270447.2); c.1393G>A, p.Glu465Lys (NM_001270448.2); short protein forms E465K, E541K, E519K, E564K.
Identifiers: ClinVar variation 1353809 (VCV001353809.8), dbSNP rs1350421513, ClinGen allele CA397725504.

ClinVar aggregate classification (germline): Uncertain significance. Review status: criteria provided, multiple submitters, no conflicts (2 of 4 stars). 2 submissions from 2 submitters: Uncertain significance (2). Last evaluated 2025-08-23.

Conditions:
Inborn genetic diseases. Identifiers: MedGen C0950123, MeSH D030342.
Very long chain acyl-CoA dehydrogenase deficiency (ACADVLD). Also called: Very Long-Chain Acyl-Coenzyme A Dehydrogenase Deficiency; VLCAD Deficiency. Identifiers: Orphanet 26793, MedGen C3887523, MONDO:0008723, OMIM 201475.

Allele frequency attached by ClinVar (database versions not stated): gnomAD exomes below 0.00001; gnomAD 0.00001.
gnomAD v4.1: 2 of 1,613,620 alleles (0.00012%); highest among the groups gnomAD compares: African/African-American, 0.0013%; no homozygotes.

Submissions (2):

Ambry Genetics
Classification: Uncertain significance for Inborn genetic diseases. Last evaluated: 2025-08-23. Review status: criteria provided, single submitter. Criteria: Ambry Variant Classification Scheme 2023. Collection method: clinical testing. Allele origin: germline.

Labcorp Genetics (formerly Invitae), Labcorp
Classification: Uncertain significance for Very long chain acyl-CoA dehydrogenase deficiency. Last evaluated: 2022-08-10. Review status: criteria provided, single submitter. Criteria: Invitae Variant Classification Sherloc (09022015). Collection method: clinical testing. Allele origin: germline.
Comment: This sequence change replaces glutamic acid, which is acidic and polar, with lysine, which is basic and polar, at codon 541 of the ACADVL protein (p.Glu541Lys). This variant is present in population databases (no rsID available, gnomAD 0.003%). This variant has not been reported in the literature in individuals affected with ACADVL-related conditions. ClinVar contains an entry for this variant (Variation ID: 1353809). Algorithms developed to predict the effect of missense changes on protein structure and function (SIFT, PolyPhen-2, Align-GVGD) all suggest that this variant is likely to be tolerated. In summary, the available evidence is currently insufficient to determine the role of this variant in disease. Therefore, it has been classified as a Variant of Uncertain Significance.